The following is an entry in ClinVar:

ClinVar aggregate classification (germline): not provided (0 of 4 stars; one submission).

Submission:

ITMI
No classification provided. Condition: AllHighlyPenetrant. Last evaluated: 2013-09-19. Review status: no classification provided. Collection method: reference population. Allele origin: germline.
Comment: Please see associated publication for description of ethnicities

Literature cited by the submitters: PubMed 24728327.

NM_000400.4(ERCC2):c.81_82delinsTT (p.Glu27_Leu28delinsAspPhe)

Gene: ERCC2 (ERCC excision repair 2, TFIIH core complex helicase subunit; minus strand). Cytogenetic location: 19q13.32.
Variant type: Indel.
Coding change: c.81_82delinsTT on transcript NM_000400.4 (MANE Select); coding-DNA positions 81 to 82, GC replaced by TT.
Protein change: p.Glu27_Leu28delinsAspPhe.
Molecular consequence: missense variant.
Genome position (GRCh38, 1-based): chr19:45,370,156-45,370,157, GC replaced by AA on the plus strand (GC replaced by TT on the coding strand, the reverse complement: ERCC2 is on the minus strand). VCF-style: chr19-45370156-GC-AA. GRCh37 (hg19) VCF-style: chr19-45873414-GC-AA.
Other names: c.9_10delinsTT, p.Glu3_Leu4delinsAspPhe (NM_001130867.2).
Identifiers: ClinVar variation 134108 (VCV000134108.1), dbSNP rs587778273, ClinGen allele CA158791.